The following is an entry in ClinVar:

NM_206933.4(USH2A):c.731G>A (p.Gly244Asp)

Gene: USH2A (usherin; minus strand). Cytogenetic location: 1q41.
Variant type: single nucleotide variant.
Coding change: c.731G>A on transcript NM_206933.4 (MANE Select); coding-DNA position 731, G replaced by A.
Protein change: p.Gly244Asp; replaces glycine 244 with aspartic acid.
Molecular consequence: missense variant.
Genome position (GRCh38, 1-based): chr1:216,365,006, C>T on the plus strand (G>A on the coding strand, the complement: USH2A is on the minus strand). VCF-style: chr1-216365006-C-T. GRCh37 (hg19) VCF-style: chr1-216538348-C-T.
Other names: c.731G>A, p.Gly244Asp (NM_007123.6); short protein forms G244D.
Identifiers: ClinVar variation 1501815 (VCV001501815.3), dbSNP rs2102708519, ClinGen allele CA344907995.

ClinVar aggregate classification (germline): Uncertain significance (1 of 4 stars; one submission).

Allele frequency attached by ClinVar (database versions not stated): gnomAD exomes below 0.00001.
gnomAD v4.1: 2 of 1,613,700 alleles (0.00012%); highest among the groups gnomAD compares: Non-Finnish European, 0.00017%; no homozygotes.

Submission:

Labcorp Genetics (formerly Invitae), Labcorp
Classification: Uncertain significance. Last evaluated: 2022-05-30. Review status: criteria provided, single submitter. Criteria: Invitae Variant Classification Sherloc (09022015). Collection method: clinical testing. Allele origin: germline.
Comment: This sequence change replaces glycine, which is neutral and non-polar, with aspartic acid, which is acidic and polar, at codon 244 of the USH2A protein (p.Gly244Asp). This variant is not present in population databases (gnomAD no frequency). This variant has not been reported in the literature in individuals affected with USH2A-related conditions. ClinVar contains an entry for this variant (Variation ID: 1501815). Algorithms developed to predict the effect of missense changes on protein structure and function output the following: SIFT: "Tolerated"; PolyPhen-2: "Benign"; Align-GVGD: "Class C0". The aspartic acid amino acid residue is found in multiple mammalian species, which suggests that this missense change does not adversely affect protein function. In summary, the available evidence is currently insufficient to determine the role of this variant in disease. Therefore, it has been classified as a Variant of Uncertain Significance.